The following is an entry in ClinVar:

ClinVar aggregate classification (germline): Uncertain significance (1 of 4 stars; one submission).

Submission:

Labcorp Genetics (formerly Invitae), Labcorp
Classification: Uncertain significance. Last evaluated: 2023-11-17. Review status: criteria provided, single submitter. Criteria: Invitae Variant Classification Sherloc (09022015). Collection method: clinical testing. Allele origin: germline.
Comment: This sequence change replaces tyrosine, which is neutral and polar, with cysteine, which is neutral and slightly polar, at codon 1683 of the COL11A1 protein (p.Tyr1683Cys). This variant is not present in population databases (gnomAD no frequency). This variant has not been reported in the literature in individuals affected with COL11A1-related conditions. Advanced modeling of protein sequence and biophysical properties (such as structural, functional, and spatial information, amino acid conservation, physicochemical variation, residue mobility, and thermodynamic stability) has been performed at Invitae for this missense variant, however the output from this modeling did not meet the statistical confidence thresholds required to predict the impact of this variant on COL11A1 protein function. In summary, the available evidence is currently insufficient to determine the role of this variant in disease. Therefore, it has been classified as a Variant of Uncertain Significance.

NM_001854.4(COL11A1):c.5048A>G (p.Tyr1683Cys)

Genes: COL11A1 (collagen type XI alpha 1 chain; minus strand), LOC126805814 (P300/CBP strongly-dependent group 1 enhancer GRCh37_chr1:103344928-103346127; plus strand). Cytogenetic location: 1p21.1.
Variant type: single nucleotide variant.
Coding change: c.5048A>G on transcript NM_001854.4 (MANE Select); coding-DNA position 5048, A replaced by G.
Protein change: p.Tyr1683Cys; replaces tyrosine 1683 with cysteine.
Molecular consequence: missense variant. On other transcripts: non-coding transcript variant (1).
Genome position (GRCh38, 1-based): chr1:102,879,909, T>C on the plus strand (A>G on the coding strand, the complement: COL11A1 is on the minus strand). VCF-style: chr1-102879909-T-C. GRCh37 (hg19) VCF-style: chr1-103345465-T-C.
Other names: c.4700A>G, p.Tyr1567Cys (NM_001168249.1, NM_080630.4); c.4931A>G, p.Tyr1644Cys (NM_001190709.2); c.5084A>G, p.Tyr1695Cys (NM_080629.3); short protein forms Y1695C, Y1567C, Y1644C, Y1683C.
Identifiers: ClinVar variation 2696862 (VCV002696862.3), dbSNP rs2524163232, ClinGen allele CA341211222.